The following is an entry in ClinVar:

ClinVar aggregate classification (germline): Benign (1 of 4 stars; one submission).

Conditions:
Renal tubular dysgenesis. Also called: Renotubular dysgenesis. Identifiers: Orphanet 3033, MedGen C0266313, MONDO:0017609, HP:0008660.

Allele frequency attached by ClinVar (database versions not stated): gnomAD 0.00399 and 0.00505; TOPMed 0.00509; 1000 Genomes Project 30x 0.01562; 1000 Genomes Project 0.01697.

Submission:

Illumina Laboratory Services, Illumina
Classification: Benign for Renal tubular dysgenesis of genetic origin. Last evaluated: 2018-01-12. Review status: criteria provided, single submitter. Criteria: ICSL Variant Classification Criteria 13 December 2019. Collection method: clinical testing. Allele origin: germline.
Comment: This variant was observed in the ICSL laboratory as part of a predisposition screen in an ostensibly healthy population. It had not been previously curated by ICSL or reported in the Human Gene Mutation Database (HGMD: prior to June 1st, 2018), and was therefore a candidate for classification through an automated scoring system. Utilizing variant allele frequency, disease prevalence and penetrance estimates, and inheritance mode, an automated score was calculated to assess if this variant is too frequent to cause the disease. Based on the score and internal cut-off values, a variant classified as benign is not then subjected to further curation. The score for this variant resulted in a classification of benign for this disease.

NM_000685.5(AGTR1):c.-184C>A

Gene: AGTR1 (angiotensin II receptor type 1; plus strand). Cytogenetic location: 3q24.
Variant type: single nucleotide variant.
Coding change: c.-184C>A on transcript NM_000685.5 (MANE Select); 184 bases upstream of the start codon, C replaced by A.
Molecular consequence: 5 prime UTR variant.
Genome position (GRCh38, 1-based): chr3:148,698,075, C>A. VCF-style: chr3-148698075-C-A. GRCh37 (hg19) VCF-style: chr3-148415862-C-A.
Other names: c.-122C>A (NM_001382736.1); c.-206C>A (NM_001382737.1); c.-158C>A (NM_004835.5); c.-100C>A (NM_009585.4); c.-242C>A (NM_031850.4); c.-315C>A (NM_032049.4).
Identifiers: ClinVar variation 343666 (VCV000343666.5), dbSNP rs2307085, ClinGen allele CA10617597.